The following is an entry in ClinVar:

NM_001032386.2(SUOX):c.489A>C (p.Glu163Asp)

Gene: SUOX (sulfite oxidase; plus strand). Cytogenetic location: 12q13.2.
Variant type: single nucleotide variant.
Coding change: c.489A>C on transcript NM_001032386.2 (MANE Select); coding-DNA position 489, A replaced by C.
Protein change: p.Glu163Asp; replaces glutamic acid 163 with aspartic acid.
Molecular consequence: missense variant.
Genome position (GRCh38, 1-based): chr12:56,003,878, A>C. VCF-style: chr12-56003878-A-C. GRCh37 (hg19) VCF-style: chr12-56397662-A-C.
Other names: c.489A>C (NM_000456.2); c.489A>C, p.Glu163Asp (NM_000456.3, NM_001032387.2); short protein forms E163D.
Identifiers: ClinVar variation 1356805 (VCV001356805.7), dbSNP rs1413294276, ClinGen allele CA385284021.
Genomic context (GRCh38, chr12:56,003,878, plus strand): 5'-CAACCAGTCCCATGTGCGTGAGTTACTGGCTCAGTACAAGATTGGGGAGCTGAATCCTGA[A>C]GACAAGGTAGCCCCCACCGTGGAGACCTCTGACCCTTATGCTGATGATCCTGTACGTCAC-3'
Protein context (NP_001027558.1, residues 153-173): AQYKIGELNP[Glu163Asp]DKVAPTVETS

ClinVar aggregate classification (germline): Uncertain significance. Review status: criteria provided, multiple submitters, no conflicts (2 of 4 stars). 2 submissions from 2 submitters: Uncertain significance (2). Last evaluated 2025-08-24.

Conditions:
Inborn genetic diseases. Identifiers: MedGen C0950123, MeSH D030342.
Sulfite oxidase deficiency. Also called: Isolated sulfite oxidase deficiency. Identifiers: Orphanet 833, Orphanet 99731, MedGen C0268624, MONDO:0010089, OMIM 272300, HP:0003643.

Allele frequency attached by ClinVar (database versions not stated): gnomAD 0.00002; TOPMed 0.00003.
gnomAD v4.1: 3 of 1,613,916 alleles (0.00019%); highest among the groups gnomAD compares: African/African-American, 0.004%; no homozygotes.

Submissions (2):

Ambry Genetics
Classification: Uncertain significance for Inborn genetic diseases. Last evaluated: 2025-08-24. Review status: criteria provided, single submitter. Criteria: Ambry Variant Classification Scheme 2023. Collection method: clinical testing. Allele origin: germline.

Labcorp Genetics (formerly Invitae), Labcorp
Classification: Uncertain significance for Sulfite oxidase deficiency. Last evaluated: 2022-08-09. Review status: criteria provided, single submitter. Criteria: Invitae Variant Classification Sherloc (09022015). Collection method: clinical testing. Allele origin: germline.
Comment: This sequence change replaces glutamic acid, which is acidic and polar, with aspartic acid, which is acidic and polar, at codon 163 of the SUOX protein (p.Glu163Asp). This variant is not present in population databases (gnomAD no frequency). This variant has not been reported in the literature in individuals affected with SUOX-related conditions. ClinVar contains an entry for this variant (Variation ID: 1356805). Algorithms developed to predict the effect of missense changes on protein structure and function output the following: SIFT: "Tolerated"; PolyPhen-2: "Benign"; Align-GVGD: "Class C0". The aspartic acid amino acid residue is found in multiple mammalian species, which suggests that this missense change does not adversely affect protein function. In summary, the available evidence is currently insufficient to determine the role of this variant in disease. Therefore, it has been classified as a Variant of Uncertain Significance.